The following is an entry in ClinVar:

ClinVar aggregate classification (germline): Uncertain significance (1 of 4 stars; one submission).

Conditions:
Hereditary cancer-predisposing syndrome. Also called: Neoplastic Syndromes, Hereditary; Tumor predisposition; Hereditary neoplastic syndrome; Hereditary Cancer Syndrome. Identifiers: Orphanet 140162, MedGen C0027672, MeSH D009386, MONDO:0015356.

Submission:

Ambry Genetics
Classification: Uncertain significance for Hereditary cancer-predisposing syndrome. Last evaluated: 2026-08-20. Review status: criteria provided, single submitter. Criteria: Ambry Variant Classification Scheme 2023. Collection method: clinical testing. Allele origin: germline.
Comment: The p.K1291Q variant (also known as c.3871A>C), located in coding exon 26 of the SMARCA4 gene, results from an A to C substitution at nucleotide position 3871. The lysine at codon 1291 is replaced by glutamine, an amino acid with similar properties. This amino acid position is conserved. In addition, this alteration is predicted to be tolerated by in silico analysis. Based on the available evidence, the clinical significance of this variant remains unclear.

NM_003072.5(SMARCA4):c.3871A>C (p.Lys1291Gln)

Gene: SMARCA4 (SWI/SNF related BAF chromatin remodeling complex subunit ATPase 4; plus strand). Cytogenetic location: 19p13.2.
Variant type: single nucleotide variant.
Coding change: c.3871A>C on transcript NM_003072.5 (MANE Select); coding-DNA position 3871, A replaced by C.
Protein change: p.Lys1291Gln; replaces lysine 1291 with glutamine.
Molecular consequence: missense variant. On other transcripts: intron variant (6).
Genome position (GRCh38, 1-based): chr19:11,033,863, A>C. VCF-style: chr19-11033863-A-C. GRCh37 (hg19) VCF-style: chr19-11144539-A-C.
Other names: c.3871A>C, p.Lys1291Gln (NM_001128844.3, NM_001128849.3, NM_001387283.1); c.3775-260A>C (NM_001128847.4, NM_001411150.1, NM_001374457.1 and 3 more transcripts); short protein forms K1291Q.
Identifiers: ClinVar variation 5029887 (VCV005029887.1).
Genomic context (GRCh38, chr19:11,033,863, plus strand): 5'-TTCGCCCACACTGCCCCTCCGCCAGCGGGCGTCAACCCCGACTTGGAGGAGCCACCTCTA[A>C]AGGTGAGAGGGGTAGTTCAGTCTCCATGCCCATTCAATCCTCGGCTTCTCGGCTGAGACG-3'
Protein context (NP_003063.2, residues 1281-1301): VNPDLEEPPL[Lys1291Gln]EEDEVPDDET